The following is an entry in ClinVar:

NM_005996.4(TBX3):c.1404G>A (p.Ala468=)

Gene: TBX3 (T-box transcription factor 3; minus strand). Cytogenetic location: 12q24.21.
Variant type: single nucleotide variant.
Coding change: c.1404G>A on transcript NM_005996.4 (MANE Select); coding-DNA position 1404, G replaced by A.
Protein change: p.Ala468=; no amino-acid change (alanine 468 retained).
Molecular consequence: synonymous variant.
Genome position (GRCh38, 1-based): chr12:114,674,471, C>T on the plus strand (G>A on the coding strand, the complement: TBX3 is on the minus strand). VCF-style: chr12-114674471-C-T. GRCh37 (hg19) VCF-style: chr12-115112276-C-T.
Other names: c.1464G>A, p.Ala488= (NM_016569.4); c.1464G>A (NM_016569.3).
Identifiers: ClinVar variation 2726265 (VCV002726265.4), dbSNP rs958744217, ClinGen allele CA244143604.

ClinVar aggregate classification (germline): Likely benign. Review status: criteria provided, multiple submitters, no conflicts (2 of 4 stars). 2 submissions from 2 submitters: Likely benign (2). Last evaluated 2025-10-18.

Conditions:
TBX3-related disorder. Also called: TBX3-related condition.
Ulnar-mammary syndrome (UMS). Also called: SCHINZEL SYNDROME; Ulnar-mammary syndrome of Pallister; PALLISTER ULNAR-MAMMARY SYNDROME. Identifiers: Orphanet 3138, MedGen C1866994, MONDO:0008411, OMIM 181450.

Allele frequency attached by ClinVar (database versions not stated): gnomAD 0.00001; TOPMed 0.00001.
gnomAD v4.1: 9 of 1,540,412 alleles (0.00058%); highest among the groups gnomAD compares: Admixed American, 0.008%; no homozygotes.

Submissions (2):

Labcorp Genetics (formerly Invitae), Labcorp
Classification: Likely benign for Ulnar-mammary syndrome. Last evaluated: 2025-10-18. Review status: criteria provided, single submitter. Criteria: Invitae Variant Classification Sherloc (09022015). Collection method: clinical testing. Allele origin: germline.

PreventionGenetics, part of Exact Sciences
Classification: Likely benign for TBX3-related condition. Last evaluated: 2025-01-23. Review status: criteria provided, single submitter. Criteria: ACMG Guidelines, 2015. Collection method: clinical testing. Allele origin: germline.
Comment: This variant is classified as likely benign based on ACMG/AMP sequence variant interpretation guidelines (Richards et al. 2015 PMID: 25741868, with internal and published modifications).